The following is an entry in ClinVar:

NM_015340.4(LARS2):c.1453G>A (p.Ala485Thr)

Genes: LARS2 (leucyl-tRNA synthetase 2, mitochondrial; plus strand), LARS2-AS1 (LARS2 antisense RNA 1; minus strand). Cytogenetic location: 3p21.31.
Variant type: single nucleotide variant.
Coding change: c.1453G>A on transcript NM_015340.4 (MANE Select); coding-DNA position 1453, G replaced by A.
Protein change: p.Ala485Thr; replaces alanine 485 with threonine.
Molecular consequence: missense variant.
Genome position (GRCh38, 1-based): chr3:45,491,730, G>A. VCF-style: chr3-45491730-G-A. GRCh37 (hg19) VCF-style: chr3-45533222-G-A.
Other names: c.1453G>A, p.Ala485Thr (NM_001368263.1); c.1453G>A (NM_015340.3); short protein forms A485T.
Identifiers: ClinVar variation 2187633 (VCV002187633.5), dbSNP rs199702518, ClinGen allele CA2349600.

ClinVar aggregate classification (germline): Conflicting classifications of pathogenicity. Review status: criteria provided, conflicting classifications (1 of 4 stars). 2 submissions from 2 submitters: Uncertain significance (1); Likely benign (1). Last evaluated 2025-05-03.

Conditions:
Inborn genetic diseases. Identifiers: MedGen C0950123, MeSH D030342.

Allele frequency attached by ClinVar (database versions not stated): gnomAD 0.00002; 1000 Genomes Project 30x 0.00016; 1000 Genomes Project 0.00020.
gnomAD v4.1: 54 of 1,613,754 alleles (0.0033%); highest among the groups gnomAD compares: African/African-American, 0.004%; no homozygotes.

Submissions (2):

Ambry Genetics
Classification: Likely benign for Inborn genetic diseases. Last evaluated: 2025-05-03. Review status: criteria provided, single submitter. Criteria: Ambry Variant Classification Scheme 2023. Collection method: clinical testing. Allele origin: germline.

Labcorp Genetics (formerly Invitae), Labcorp
Classification: Uncertain significance. Last evaluated: 2022-05-03. Review status: criteria provided, single submitter. Criteria: Invitae Variant Classification Sherloc (09022015). Collection method: clinical testing. Allele origin: germline.
Comment: In summary, the available evidence is currently insufficient to determine the role of this variant in disease. Therefore, it has been classified as a Variant of Uncertain Significance. Algorithms developed to predict the effect of missense changes on protein structure and function output the following: SIFT: "Tolerated"; PolyPhen-2: "Benign"; Align-GVGD: "Class C0". The threonine amino acid residue is found in multiple mammalian species, which suggests that this missense change does not adversely affect protein function. This variant has not been reported in the literature in individuals affected with LARS2-related conditions. This variant is present in population databases (rs199702518, gnomAD 0.004%). This sequence change replaces alanine, which is neutral and non-polar, with threonine, which is neutral and polar, at codon 485 of the LARS2 protein (p.Ala485Thr).